The following is an entry in ClinVar:

NM_000834.5(GRIN2B):c.2514C>A (p.Cys838Ter)

Gene: GRIN2B (glutamate ionotropic receptor NMDA type subunit 2B; minus strand). Cytogenetic location: 12p13.1.
Variant type: single nucleotide variant.
Coding change: c.2514C>A on transcript NM_000834.5 (MANE Select); coding-DNA position 2514, C replaced by A.
Protein change: p.Cys838Ter; replaces cysteine 838 with a stop codon.
Molecular consequence: nonsense.
Genome position (GRCh38, 1-based): chr12:13,567,109, G>T on the plus strand (C>A on the coding strand, the complement: GRIN2B is on the minus strand). VCF-style: chr12-13567109-G-T. GRCh37 (hg19) VCF-style: chr12-13720043-G-T.
Other names: c.2514C>A (NM_000834.3); c.2514C>A, p.Cys838Ter (NM_001413992.1); short protein forms C838*.
Identifiers: ClinVar variation 3381750 (VCV003381750.5).

ClinVar aggregate classification (germline): Pathogenic. Review status: criteria provided, multiple submitters, no conflicts (2 of 4 stars). 3 submissions from 3 submitters: Pathogenic (3). Last evaluated 2025-02-28.

Conditions:
Developmental and epileptic encephalopathy, 27 (DEE27). Also called: Epileptic encephalopathy, early infantile, 27; GRIN2B-Related Neurodevelopmental Disorder. Identifiers: Orphanet 3451, MedGen C4015316, MONDO:0014505, OMIM 616139.
Intellectual developmental disorder, autosomal dominant 6, with or without seizures. Also called: Intellectual disability, autosomal dominant 6; GRIN2B-related developmental delay, intellectual disability and autism spectrum disorder. Identifiers: Orphanet 589547, MedGen C3151411, MONDO:0013509, OMIM 613970.

Submissions (3):

GeneDx
Classification: Pathogenic. Last evaluated: 2025-02-28. Review status: criteria provided, single submitter. Criteria: GeneDx Variant Classification Process June 2021. Collection method: clinical testing. Allele origin: germline. Affected: yes.
Comment: Nonsense variant predicted to result in protein truncation or nonsense mediated decay in a gene for which loss of function is a known mechanism of disease; Not observed at significant frequency in large population cohorts (gnomAD); Has not been previously published as pathogenic or benign to our knowledge

Molecular Genetics Laboratory, Motol Hospital
Classification: Pathogenic for Intellectual developmental disorder, autosomal dominant 6, with or without seizures. Last evaluated: 2024-11-27. Review status: criteria provided, single submitter. Criteria: ACMG Guidelines, 2015. Collection method: clinical testing. Allele origin: de novo. Affected: yes. Observed: 1 variant allele.
Comment: The variant was confirmed to be of a de novo origin. Rare truncating variants affecting the GRIN2B gene are documented as a molecular cause of autosomal dominant "intellectual developmental disorder 6 with or without seizures" MRD6, OMIM:613970) (PMID:36704660;27818011;31807283). To conclude, the variant is classified as pathogenic (ACMG PVS1, PM2, PS2).

Labcorp Genetics (formerly Invitae), Labcorp
Classification: Pathogenic for Developmental and epileptic encephalopathy, 27; Intellectual developmental disorder, autosomal dominant 6, with or without seizures. Last evaluated: 2024-08-30. Review status: criteria provided, single submitter. Criteria: Invitae Variant Classification Sherloc (09022015). Collection method: clinical testing. Allele origin: germline.
Comment: This sequence change creates a premature translational stop signal (p.Cys838*) in the GRIN2B gene. It is expected to result in an absent or disrupted protein product. Loss-of-function variants in GRIN2B are known to be pathogenic (PMID: 28377535). This variant is not present in population databases (gnomAD no frequency). This variant has not been reported in the literature in individuals affected with GRIN2B-related conditions. For these reasons, this variant has been classified as Pathogenic.

Literature cited by the submitters: PubMed 36704660 (cited by Molecular Genetics Laboratory, Motol Hospital); PubMed 27818011 (cited by Molecular Genetics Laboratory, Motol Hospital); PubMed 31807283 (cited by Molecular Genetics Laboratory, Motol Hospital); PubMed 28377535 (cited by Labcorp Genetics (formerly Invitae), Labcorp).